The following is an entry in ClinVar:

ClinVar aggregate classification (germline): Uncertain significance. Review status: criteria provided, multiple submitters, no conflicts (2 of 4 stars). 3 submissions from 3 submitters: Uncertain significance (3). Last evaluated 2025-04-10.

Conditions:
Classic or attenuated familial adenomatous polyposis. Identifiers: MedGen CN372698, MONDO:0021057.
Hereditary cancer-predisposing syndrome. Also called: Neoplastic Syndromes, Hereditary; Tumor predisposition; Hereditary neoplastic syndrome; Hereditary Cancer Syndrome. Identifiers: Orphanet 140162, MedGen C0027672, MeSH D009386, MONDO:0015356.
Familial adenomatous polyposis 1 (FAP1). Also called: FAMILIAL ADENOMATOUS POLYPOSIS 1, ATTENUATED; POLYPOSIS, ADENOMATOUS INTESTINAL. Identifiers: MedGen C2713442, MONDO:0021056, OMIM 175100. Disease mechanism: loss of function.

Allele frequency attached by ClinVar (database versions not stated): gnomAD exomes below 0.00001.
gnomAD v4.1: 2 of 1,613,926 alleles (0.00012%); highest among the groups gnomAD compares: South Asian, 0.0011%; no homozygotes.

Submissions (3):

Labcorp Genetics (formerly Invitae), Labcorp
Classification: Uncertain significance for Familial adenomatous polyposis 1. Last evaluated: 2025-04-10. Review status: criteria provided, single submitter. Criteria: Invitae Variant Classification Sherloc (09022015). Collection method: clinical testing. Allele origin: germline.
Comment: This sequence change replaces serine, which is neutral and polar, with cysteine, which is neutral and slightly polar, at codon 2385 of the APC protein (p.Ser2385Cys). This variant is present in population databases (no rsID available, gnomAD 0.003%). This variant has not been reported in the literature in individuals affected with APC-related conditions. ClinVar contains an entry for this variant (Variation ID: 578813). Invitae Evidence Modeling of protein sequence and biophysical properties (such as structural, functional, and spatial information, amino acid conservation, physicochemical variation, residue mobility, and thermodynamic stability) indicates that this missense variant is not expected to disrupt APC protein function with a negative predictive value of 95%. In summary, the available evidence is currently insufficient to determine the role of this variant in disease. Therefore, it has been classified as a Variant of Uncertain Significance.

Ambry Genetics
Classification: Uncertain significance for Hereditary cancer-predisposing syndrome. Last evaluated: 2025-02-14. Review status: criteria provided, single submitter. Criteria: Ambry Variant Classification Scheme 2023. Collection method: clinical testing. Allele origin: germline.
Comment: The p.S2385C variant (also known as c.7154C>G), located in coding exon 15 of the APC gene, results from a C to G substitution at nucleotide position 7154. The serine at codon 2385 is replaced by cysteine, an amino acid with dissimilar properties. This amino acid position is not well conserved in available vertebrate species. In addition, in silico predictors for this gene do not accurately predict pathogenicity. Missense alterations in APC are not a common cause of disease (Spier I et al. Genet Med. 2024 Feb;26(2):100992). Based on the available evidence, the clinical significance of this variant remains unclear.

All of Us Research Program, National Institutes of Health
Classification: Uncertain significance for Classic or attenuated familial adenomatous polyposis. Last evaluated: 2023-11-02. Review status: criteria provided, single submitter. Criteria: ACMG Guidelines, 2015. Collection method: clinical testing. Allele origin: germline. Inheritance: Autosomal dominant inheritance. Observed: 1 variant allele, 1 heterozygote.
Comment: This missense variant replaces serine with cysteine at codon 2385 of the APC protein. Computational prediction suggests that this variant may not impact protein structure and function (internally defined REVEL score threshold <= 0.5, PMID: 27666373). To our knowledge, functional studies have not been reported for this variant. This variant has not been reported in individuals affected with APC-related disorders in the literature. This variant has been identified in 1/250278 chromosomes in the general population by the Genome Aggregation Database (gnomAD). The available evidence is insufficient to determine the role of this variant in disease conclusively. Therefore, this variant is classified as a Variant of Uncertain Significance.

This study involves interpretation of variants in research participants for the purpose of population health screening. Participant phenotype was not available at the time of variant classification. Additional details can be found in publication PMID: 35346344, PMCID: PMC8962531

NM_000038.6(APC):c.7154C>G (p.Ser2385Cys)

Gene: APC (APC regulator of Wnt signaling pathway; plus strand). Cytogenetic location: 5q22.2.
Variant type: single nucleotide variant.
Coding change: c.7154C>G on transcript NM_000038.6 (MANE Select); coding-DNA position 7154, C replaced by G.
Protein change: p.Ser2385Cys; replaces serine 2385 with cysteine.
Molecular consequence: missense variant.
Genome position (GRCh38, 1-based): chr5:112,842,748, C>G. VCF-style: chr5-112842748-C-G. GRCh37 (hg19) VCF-style: chr5-112178445-C-G.
Other names: c.7154C>G, p.Ser2385Cys (NM_001127510.3, NM_001354895.2); c.7100C>G, p.Ser2367Cys (NM_001127511.3); c.7208C>G, p.Ser2403Cys (NM_001354896.2); c.7184C>G, p.Ser2395Cys (NM_001354897.2); c.7079C>G, p.Ser2360Cys (NM_001354898.2); c.7070C>G, p.Ser2357Cys (NM_001354899.2); c.7031C>G, p.Ser2344Cys (NM_001354900.2); c.6977C>G, p.Ser2326Cys (NM_001354901.2); and 5 more; short protein forms S2367C, S2385C, S2259C, S2284C, S2326C, S2357C, S2395C, S2360C.
Identifiers: ClinVar variation 578813 (VCV000578813.18), dbSNP rs1482227229, ClinGen allele CA16036910.